The following is an entry in ClinVar:

ClinVar aggregate classification (germline): Uncertain significance (1 of 4 stars; one submission).

Conditions:
McKusick-Kaufman syndrome (MKKS). Also called: HYDROMETROCOLPOS SYNDROME; HYDROMETROCOLPOS, POSTAXIAL POLYDACTYLY, AND CONGENITAL HEART MALFORMATION. Identifiers: Orphanet 2473, MedGen C0948368, MONDO:0009367, OMIM 236700.
Bardet-Biedl syndrome (BBS). Identifiers: Orphanet 110, MedGen C0752166, MONDO:0015229.

Submission:

Labcorp Genetics (formerly Invitae), Labcorp
Classification: Uncertain significance for McKusick-Kaufman syndrome; Bardet-Biedl syndrome. Last evaluated: 2022-08-29. Review status: criteria provided, single submitter. Criteria: Invitae Variant Classification Sherloc (09022015). Collection method: clinical testing. Allele origin: germline.
Comment: This sequence change replaces threonine, which is neutral and polar, with isoleucine, which is neutral and non-polar, at codon 255 of the MKKS protein (p.Thr255Ile). This variant is not present in population databases (gnomAD no frequency). This variant has not been reported in the literature in individuals affected with MKKS-related conditions. ClinVar contains an entry for this variant (Variation ID: 966803). Algorithms developed to predict the effect of missense changes on protein structure and function (SIFT, PolyPhen-2, Align-GVGD) all suggest that this variant is likely to be tolerated. In summary, the available evidence is currently insufficient to determine the role of this variant in disease. Therefore, it has been classified as a Variant of Uncertain Significance.

NM_170784.3(MKKS):c.764C>T (p.Thr255Ile)

Gene: MKKS (MKKS centrosomal shuttling protein; minus strand). Cytogenetic location: 20p12.2.
Variant type: single nucleotide variant.
Coding change: c.764C>T on transcript NM_170784.3 (MANE Select); coding-DNA position 764, C replaced by T.
Protein change: p.Thr255Ile; replaces threonine 255 with isoleucine.
Molecular consequence: missense variant.
Genome position (GRCh38, 1-based): chr20:10,412,751, G>A on the plus strand (C>T on the coding strand, the complement: MKKS is on the minus strand). VCF-style: chr20-10412751-G-A. GRCh37 (hg19) VCF-style: chr20-10393399-G-A.
Other names: c.764C>T, p.Thr255Ile (NM_018848.3); short protein forms T255I.
Identifiers: ClinVar variation 966803 (VCV000966803.9), dbSNP rs2064900423, ClinGen allele CA408232400.